The following is an entry in ClinVar:

ClinVar aggregate classification (germline): Uncertain significance. Review status: criteria provided, multiple submitters, no conflicts (2 of 4 stars). 6 submissions from 6 submitters: Uncertain significance (6). Last evaluated 2024-03-01.

Conditions:
Glycogen storage disease, type V (GSD5). Also called: MCARDLE DISEASE; MUSCLE GLYCOGEN PHOSPHORYLASE DEFICIENCY; MYOPHOSPHORYLASE DEFICIENCY; PYGM DEFICIENCY; McArdle type glycogen storage disease. Identifiers: Orphanet 368, MedGen C0017924, MONDO:0009293, OMIM 232600.

Allele frequency attached by ClinVar (database versions not stated): ExAC 0.00003; gnomAD exomes 0.00003 and 0.00005; gnomAD 0.00004; TOPMed 0.00004; ESP Exome Variant Server 0.00008.

Submissions (6):

Blueprint Genetics
Classification: Uncertain significance. Last evaluated: 2024-03-01. Review status: criteria provided, single submitter. Criteria: ACMG Guidelines, 2015. Collection method: clinical testing. Allele origin: germline.

Labcorp Genetics (formerly Invitae), Labcorp
Classification: Uncertain significance for Glycogen storage disease, type V. Last evaluated: 2024-03-01. Review status: criteria provided, single submitter. Criteria: Invitae Variant Classification Sherloc (09022015). Collection method: clinical testing. Allele origin: germline.
Comment: This sequence change replaces asparagine, which is neutral and polar, with serine, which is neutral and polar, at codon 251 of the PYGM protein (p.Asn251Ser). This variant is present in population databases (rs143071876, gnomAD 0.04%). This variant has not been reported in the literature in individuals affected with PYGM-related conditions. ClinVar contains an entry for this variant (Variation ID: 305278). Advanced modeling of protein sequence and biophysical properties (such as structural, functional, and spatial information, amino acid conservation, physicochemical variation, residue mobility, and thermodynamic stability) performed at Invitae indicates that this missense variant is not expected to disrupt PYGM protein function with a negative predictive value of 95%. In summary, the available evidence is currently insufficient to determine the role of this variant in disease. Therefore, it has been classified as a Variant of Uncertain Significance.

Revvity Omics, Revvity
Classification: Uncertain significance for Glycogen storage disease, type V. Last evaluated: 2022-07-01. Review status: criteria provided, single submitter. Criteria: ACMG Guidelines, 2015. Collection method: clinical testing. Allele origin: germline.

Victorian Clinical Genetics Services, Murdoch Childrens Research Institute
Classification: Uncertain significance for Glycogen storage disease, type V. Last evaluated: 2021-05-06. Review status: criteria provided, single submitter. Criteria: ACMG Guidelines, 2015. Collection method: clinical testing. Allele origin: germline. Inheritance: Autosomal recessive inheritance. Affected: yes.
Comment: Based on the classification scheme VCGS_Germline_v1.3.4, this variant is classified as VUS-3A. Following criteria are met: 0102 - Loss of function is a known mechanism of disease in this gene and is associated with McArdle disease (MIM#232600). (I) 0106 - This gene is associated with autosomal recessive disease. Autosomal dominant disease has been reported in a single large family with a missense variant (p.Asp639His) (PMID: 32386344). (I) 0115 - Variants in this gene are known to have variable expressivity, where some patients are only mildly affected (GeneReviews). (I) 0200 - Variant is predicted to result in a missense amino acid change from asparagine to serine. (I) 0251 - This variant is heterozygous. (I) 0304 - Variant is present in gnomAD (v2) <0.01 for a recessive condition (13 heterozygotes, 0 homozygotes). (SP) 0309 - An alternative amino acid change at the same position has been observed in gnomAD (v2) (1 heterozygote, 0 homozygotes). (I) 0504 - Same amino acid change has been observed in placental mammals. (SB) 0600 - Variant is located in the annotated GT35 glycogen phosphorylase domain (NCBI). (I) 0705 - No comparable missense variants have previous evidence for pathogenicity. (I) 0809 - Previous evidence of pathogenicity for this variant is inconclusive. This variant has been previously reported as a VUS (ClinVar). (I) 0905 - No published segregation evidence has been identified for this variant. (I) 1007 - No published functional evidence has been identified for this variant. (I) 1102 - Strong phenotype match for this individual. (SP) 1208 - Inheritance information for this variant is not currently available in this individual. (I) Legend: (SP) - Supporting pathogenic, (I) - Information, (SB) - Supporting benign

Illumina Laboratory Services, Illumina
Classification: Uncertain significance for Glycogen storage disease, type V. Last evaluated: 2018-01-13. Review status: criteria provided, single submitter. Criteria: ICSL Variant Classification Criteria 13 December 2019. Collection method: clinical testing. Allele origin: germline.

Breakthrough Genomics
Classification: Uncertain significance. Review status: criteria provided, single submitter. Criteria: ACMG Guidelines, 2015. Collection method: not provided. Allele origin: germline. Inheritance: Autosomal recessive inheritance. Affected: yes.

Literature cited by the submitters: PubMed 32386344 (cited by Victorian Clinical Genetics Services, Murdoch Childrens Research Institute).

NM_005609.4(PYGM):c.752A>G (p.Asn251Ser)

Gene: PYGM (glycogen phosphorylase, muscle associated; minus strand). Cytogenetic location: 11q13.1.
Variant type: single nucleotide variant.
Coding change: c.752A>G on transcript NM_005609.4 (MANE Select); coding-DNA position 752, A replaced by G.
Protein change: p.Asn251Ser; replaces asparagine 251 with serine.
Molecular consequence: missense variant.
Genome position (GRCh38, 1-based): chr11:64,755,467, T>C on the plus strand (A>G on the coding strand, the complement: PYGM is on the minus strand). VCF-style: chr11-64755467-T-C. GRCh37 (hg19) VCF-style: chr11-64522939-T-C.
Other names: c.488A>G, p.Asn163Ser (NM_001164716.1); short protein forms N251S, N163S.
Identifiers: ClinVar variation 305278 (VCV000305278.11), dbSNP rs143071876, ClinGen allele CA6080133.